The following is an entry in ClinVar:

ClinVar aggregate classification (germline): Likely benign. Review status: criteria provided, multiple submitters, no conflicts (2 of 4 stars). 2 submissions from 2 submitters: Likely benign (2). Last evaluated 2024-05-23.

Allele frequency attached by ClinVar (database versions not stated): ExAC 0.00003; gnomAD 0.00006; TOPMed 0.00006.
gnomAD v4.1: 41 of 1,613,600 alleles (0.0025%); highest among the groups gnomAD compares: East Asian, 0.025%; no homozygotes.

Submissions (2):

Blueprint Genetics
Classification: Likely benign. Last evaluated: 2024-05-23. Review status: criteria provided, single submitter. Criteria: ACMG Guidelines, 2015. Collection method: clinical testing. Allele origin: germline.

CeGaT Center for Human Genetics Tuebingen
Classification: Likely benign. Last evaluated: 2023-02-01. Review status: criteria provided, single submitter. Criteria: CeGaT Center For Human Genetics Tuebingen Variant Classification Criteria Version 2. Collection method: clinical testing. Allele origin: germline. Affected: yes. Observed: 2 variant alleles.
Comment: CELSR1: BP4, BP7

NM_001378328.1(CELSR1):c.7530G>A (p.Ala2510=)

Genes: CELSR1 (cadherin EGF LAG seven-pass G-type receptor 1; minus strand), LOC121627952 (CDK7 strongly-dependent group 2 enhancer GRCh37_chr22:46772879-46774078; plus strand). Cytogenetic location: 22q13.31.
Variant type: single nucleotide variant.
Coding change: c.7530G>A on transcript NM_001378328.1 (MANE Select); coding-DNA position 7530, G replaced by A.
Protein change: p.Ala2510=; no amino-acid change (alanine 2510 retained).
Molecular consequence: synonymous variant.
Genome position (GRCh38, 1-based): chr22:46,377,115, C>T on the plus strand (G>A on the coding strand, the complement: CELSR1 is on the minus strand). VCF-style: chr22-46377115-C-T. GRCh37 (hg19) VCF-style: chr22-46773012-C-T.
Other names: c.7530G>A, p.Ala2510= (NM_014246.4).
Identifiers: ClinVar variation 2653316 (VCV002653316.25), dbSNP rs779070124, ClinGen allele CA10293334.
Genomic context (GRCh38, chr22:46,377,115, plus strand): 5'-CCATACCGGGTTTTCCGTCTGGTTGATCCCAATCACGAACACCAGCTGAGAGAGGAAGAG[C>T]GCCACGGCGAGGTGCTTGTGAATGCTGTGCAGGTTGGAGCGCAGCATGCGGACCAGGCTC-3'
Protein context (NP_001365257.1, residues 2500-2520): LHSIHKHLAV[Ala2510=]LFLSQLVFVI